The following is an entry in ClinVar:

NM_001077365.2(POMT1):c.2052C>T (p.Tyr684=)

Gene: POMT1 (protein O-mannosyltransferase 1; plus strand). Cytogenetic location: 9q34.13.
Variant type: single nucleotide variant.
Coding change: c.2052C>T on transcript NM_001077365.2 (MANE Select); coding-DNA position 2052, C replaced by T.
Protein change: p.Tyr684=; no amino-acid change (tyrosine 684 retained).
Molecular consequence: synonymous variant. On other transcripts: non-coding transcript variant (10).
Genome position (GRCh38, 1-based): chr9:131,522,980, C>T. VCF-style: chr9-131522980-C-T. GRCh37 (hg19) VCF-style: chr9-134398367-C-T.
Other names: c.1890C>T, p.Tyr630= (NM_001077366.2, NM_001353194.2); c.2052C>T, p.Tyr684= (NM_001136113.2); c.1701C>T, p.Tyr567= (NM_001136114.2, NM_001353195.2, NM_001374691.1 and 2 more transcripts); c.2118C>T, p.Tyr706= (NM_001353193.2, NM_007171.4); c.1962C>T, p.Tyr654= (NM_001353196.2); c.1956C>T, p.Tyr652= (NM_001353197.2, NM_001353198.2); c.1767C>T, p.Tyr589= (NM_001353199.2); c.1596C>T, p.Tyr532= (NM_001353200.2); and 4 more.
Identifiers: ClinVar variation 2673196 (VCV002673196.23), dbSNP rs2539510250, ClinGen allele CA467424168.

ClinVar aggregate classification (germline): Likely benign (1 of 4 stars; one submission).

Submission:

CeGaT Center for Human Genetics Tuebingen
Classification: Likely benign. Last evaluated: 2023-11-01. Review status: criteria provided, single submitter. Criteria: CeGaT Center For Human Genetics Tuebingen Variant Classification Criteria Version 2. Collection method: clinical testing. Allele origin: germline. Affected: yes. Observed: 1 variant allele.
Comment: POMT1: PM2:Supporting, BP4, BP7